The following is an entry in ClinVar:

NM_014045.5(LRP10):c.1130C>G (p.Pro377Arg)

Gene: LRP10 (LDL receptor related protein 10; plus strand). Cytogenetic location: 14q11.2.
Variant type: single nucleotide variant.
Coding change: c.1130C>G on transcript NM_014045.5 (MANE Select); coding-DNA position 1130, C replaced by G.
Protein change: p.Pro377Arg; replaces proline 377 with arginine.
Molecular consequence: missense variant.
Genome position (GRCh38, 1-based): chr14:22,876,078, C>G. VCF-style: chr14-22876078-C-G. GRCh37 (hg19) VCF-style: chr14-23345287-C-G.
Other names: c.1130C>G (NM_014045.3); c.1130C>G, p.Pro377Arg (NM_001329226.2); short protein forms P377R.
Identifiers: ClinVar variation 3048084 (VCV003048084.3), dbSNP rs1062656, ClinGen allele CA7105859.
Genomic context (GRCh38, chr14:22,876,078, plus strand): 5'-CACCTGGACACTTCCCCTGTGGGGCTGCTGGCACCTCTGGTGCCACAGCCTGCTACCTGC[C>G]TGCTGACCGCTGCAACTACCAGACTTTCTGTGCTGATGGAGCAGATGAGAGACGCTGTCG-3'
Protein context (NP_054764.2, residues 367-387): GTSGATACYL[Pro377Arg]ADRCNYQTFC

ClinVar aggregate classification (germline): Uncertain significance. Review status: criteria provided, single submitter (1 of 4 stars). 2 submissions from 2 submitters: Uncertain significance (1). 1 of the submissions does not count toward it. Last evaluated 2025-08-21.

Conditions:
LRP10-related disorder. Also called: LRP10-related condition.

Allele frequency attached by ClinVar (database versions not stated): gnomAD exomes 0.00019; ExAC 0.00074; 1000 Genomes Project 0.00160; 1000 Genomes Project 30x 0.00172; gnomAD 0.00254; ESP Exome Variant Server 0.00261; TOPMed 0.00263.
gnomAD v4.1: 688 of 1,613,960 alleles (0.043%); highest among the groups gnomAD compares: African/African-American, 0.82%; 5 homozygotes.

Submissions (2):

Ambry Genetics
Classification: Uncertain significance. Last evaluated: 2025-08-21. Review status: criteria provided, single submitter. Criteria: Ambry Variant Classification Scheme 2023. Collection method: clinical testing. Allele origin: germline.

PreventionGenetics, part of Exact Sciences
Classification: Benign for LRP10-related condition. Last evaluated: 2020-04-02. Review status: no assertion criteria provided. Collection method: clinical testing. Allele origin: germline. Not counted in ClinVar's aggregate classification.
Comment: This variant is classified as benign based on ACMG/AMP sequence variant interpretation guidelines (Richards et al. 2015 PMID: 25741868, with internal and published modifications).